The following is an entry in ClinVar:

ClinVar aggregate classification (germline): Uncertain significance (1 of 4 stars; one submission).

Conditions:
Clubfoot. Also called: Talipes equinovarus; CLUBFOOT, CONGENITAL, WITH OR WITHOUT DEFICIENCY OF LONG BONES AND/OR MIRROR-IMAGE POLYDACTYLY; Club foot; Clubfeet; congenital talipes equinovarus. Identifiers: Orphanet 199315, MedGen C0009081, MONDO:0007342, OMIM 119800, HP:0001762.

Allele frequency attached by ClinVar (database versions not stated): gnomAD exomes below 0.00001.

Submission:

MVZ Medizinische Genetik Mainz
Classification: Uncertain significance for Clubfoot. Last evaluated: 2022-07-27. Review status: criteria provided, single submitter. Criteria: UK Practice Guidelines For Variant Classification V4 01 2020. Collection method: clinical testing. Allele origin: germline. Inheritance: Autosomal dominant inheritance. Affected: yes. Observed: 1 variant allele.
Comment: ACMG Criteria: PM2_SUP, PP3 (ACMG Version 3)

NM_002653.5(PITX1):c.422G>A (p.Arg141Gln)

Gene: PITX1 (paired like homeodomain 1; minus strand). Cytogenetic location: 5q31.1.
Variant type: single nucleotide variant.
Coding change: c.422G>A on transcript NM_002653.5 (MANE Select); coding-DNA position 422, G replaced by A.
Protein change: p.Arg141Gln; replaces arginine 141 with glutamine.
Molecular consequence: missense variant.
Genome position (GRCh38, 1-based): chr5:135,029,302, C>T on the plus strand (G>A on the coding strand, the complement: PITX1 is on the minus strand). VCF-style: chr5-135029302-C-T. GRCh37 (hg19) VCF-style: chr5-134364992-C-T.
Other names: short protein forms R141Q.
Identifiers: ClinVar variation 3066116 (VCV003066116.1), dbSNP rs2479668689, ClinGen allele CA361028306.